The following is an entry in ClinVar:

NM_001145809.2(MYH14):c.266T>C (p.Leu89Pro)

Gene: MYH14 (myosin heavy chain 14; plus strand). Cytogenetic location: 19q13.33.
Variant type: single nucleotide variant.
Coding change: c.266T>C on transcript NM_001145809.2 (MANE Select); coding-DNA position 266, T replaced by C.
Protein change: p.Leu89Pro; replaces leucine 89 with proline.
Molecular consequence: missense variant.
Genome position (GRCh38, 1-based): chr19:50,210,631, T>C. VCF-style: chr19-50210631-T-C. GRCh37 (hg19) VCF-style: chr19-50713888-T-C.
Other names: c.266T>C (NM_001145809.1); c.266T>C, p.Leu89Pro (NM_001077186.2, NM_024729.4); short protein forms L89P.
Identifiers: ClinVar variation 521868 (VCV000521868.16), dbSNP rs988356194, ClinGen allele CA309565589.
Genomic context (GRCh38, chr19:50,210,631, plus strand): 5'-CGCTGCGGGACGAAGGCGAGGAGGAGGCGGAGGTGGAGCTGGCGGAGAGCGGGAGGCGGC[T>C]GCGACTGCCGCGGGACCAGATCCAGCGCATGAACCCGCCCAAGTTCAGCAAGGCCGAGGA-3'
Protein context (NP_001139281.1, residues 79-99): EVELAESGRR[Leu89Pro]RLPRDQIQRM

ClinVar aggregate classification (germline): Uncertain significance. Review status: criteria provided, multiple submitters, no conflicts (2 of 4 stars). 5 submissions from 5 submitters: Uncertain significance (5). Last evaluated 2026-06-09.

Conditions:
Inborn genetic diseases. Identifiers: MedGen C0950123, MeSH D030342.
MYH14-related disorder. Also called: MYH14-related condition.

Allele frequency attached by ClinVar (database versions not stated): gnomAD exomes 0.00001; gnomAD 0.00011; 1000 Genomes Project 30x 0.00016; TOPMed 0.00024.
gnomAD v4.1: 26 of 1,570,190 alleles (0.0017%); highest among the groups gnomAD compares: Admixed American, 0.045%; no homozygotes.

Submissions (5):

GeneDx
Classification: Uncertain significance. Last evaluated: 2026-06-09. Review status: criteria provided, single submitter. Criteria: GeneDx Variant Classification Process June 2021. Collection method: clinical testing. Allele origin: germline.
Comment: In silico analysis supports that this missense variant has a deleterious effect on protein structure/function; Has not been previously published as pathogenic or benign to our knowledge

PreventionGenetics, part of Exact Sciences
Classification: Uncertain significance for MYH14-related condition. Last evaluated: 2026-02-25. Review status: criteria provided, single submitter. Criteria: ACMG Guidelines, 2015. Collection method: clinical testing. Allele origin: germline.
Comment: The MYH14 c.266T>C variant is predicted to result in the amino acid substitution p.Leu89Pro. To our knowledge, this variant has not been reported in the literature. This variant is reported in 0.0038% of alleles in individuals of Latino descent in gnomAD. At this time, the clinical significance of this variant is uncertain due to the absence of conclusive functional and genetic evidence.

Labcorp Genetics (formerly Invitae), Labcorp
Classification: Uncertain significance. Last evaluated: 2023-09-29. Review status: criteria provided, single submitter. Criteria: Invitae Variant Classification Sherloc (09022015). Collection method: clinical testing. Allele origin: germline.
Comment: This sequence change replaces leucine, which is neutral and non-polar, with proline, which is neutral and non-polar, at codon 89 of the MYH14 protein (p.Leu89Pro). This variant is present in population databases (no rsID available, gnomAD 0.008%). This variant has not been reported in the literature in individuals affected with MYH14-related conditions. ClinVar contains an entry for this variant (Variation ID: 521868). Advanced modeling of protein sequence and biophysical properties (such as structural, functional, and spatial information, amino acid conservation, physicochemical variation, residue mobility, and thermodynamic stability) performed at Invitae indicates that this missense variant is not expected to disrupt MYH14 protein function. In summary, the available evidence is currently insufficient to determine the role of this variant in disease. Therefore, it has been classified as a Variant of Uncertain Significance.

ARUP Laboratories, Molecular Genetics and Genomics, ARUP Laboratories
Classification: Uncertain significance. Last evaluated: 2018-08-31. Review status: criteria provided, single submitter. Criteria: ARUP Molecular Germline Variant Investigation Process. Collection method: clinical testing. Allele origin: germline.
Comment: The MYH14 c.266T>C; p.Leu89Pro variant (rs988356194), to our knowledge, is not reported in the medical literature but it is reported in ClinVar as a variant of uncertain significance (Variation ID: 521868). This variant is found in the general population with an allele frequency of 0.0012% (2/166,518 alleles) in the Genome Aggregation Database. The leucine at codon 89 is highly conserved in mammals and computational analyses (SIFT, PolyPhen-2) predict that this variant is deleterious. However, due to limited information, the clinical significance of this variant is uncertain at this time.

Ambry Genetics
Classification: Uncertain significance for Inborn genetic diseases. Last evaluated: 2017-08-30. Review status: criteria provided, single submitter. Criteria: Ambry exome assertion method (8-5-2015). Collection method: clinical testing. Allele origin: germline. Affected: yes. Observed: 1 variant allele.